The following is an entry in ClinVar:

NM_004946.3(DOCK2):c.5392C>T (p.Leu1798Phe)

Gene: DOCK2 (dedicator of cytokinesis 2; plus strand). Cytogenetic location: 5q35.1.
Variant type: single nucleotide variant.
Coding change: c.5392C>T on transcript NM_004946.3 (MANE Select); coding-DNA position 5392, C replaced by T.
Protein change: p.Leu1798Phe; replaces leucine 1798 with phenylalanine.
Molecular consequence: missense variant. On other transcripts: non-coding transcript variant (1).
Genome position (GRCh38, 1-based): chr5:170,081,946, C>T. VCF-style: chr5-170081946-C-T. GRCh37 (hg19) VCF-style: chr5-169508950-C-T.
Other names: short protein forms L1798F.
Identifiers: ClinVar variation 1523827 (VCV001523827.8), dbSNP rs2113881283, ClinGen allele CA362119384.

ClinVar aggregate classification (germline): Uncertain significance (1 of 4 stars; one submission).

Conditions:
DOCK2 deficiency. Also called: Immunodeficiency 40. Identifiers: Orphanet 447737, MedGen C4225328, MONDO:0014637, OMIM 616433.

Allele frequency attached by ClinVar (database versions not stated): gnomAD exomes below 0.00001.
gnomAD v4.1: 2 of 1,614,166 alleles (0.00012%); highest among the groups gnomAD compares: Non-Finnish European, 0.00017%; no homozygotes.

Submission:

Labcorp Genetics (formerly Invitae), Labcorp
Classification: Uncertain significance for DOCK2 deficiency. Last evaluated: 2023-12-11. Review status: criteria provided, single submitter. Criteria: Invitae Variant Classification Sherloc (09022015). Collection method: clinical testing. Allele origin: germline.
Comment: This sequence change replaces leucine, which is neutral and non-polar, with phenylalanine, which is neutral and non-polar, at codon 1798 of the DOCK2 protein (p.Leu1798Phe). This variant is not present in population databases (gnomAD no frequency). This variant has not been reported in the literature in individuals affected with DOCK2-related conditions. ClinVar contains an entry for this variant (Variation ID: 1523827). An algorithm developed to predict the effect of missense changes on protein structure and function (PolyPhen-2) suggests that this variant is likely to be tolerated. In summary, the available evidence is currently insufficient to determine the role of this variant in disease. Therefore, it has been classified as a Variant of Uncertain Significance.